The following is an entry in ClinVar:

NM_000059.4(BRCA2):c.8191C>A (p.Gln2731Lys)

Gene: BRCA2 (BRCA2 DNA repair associated; plus strand). Cytogenetic location: 13q13.1.
Variant type: single nucleotide variant.
Coding change: c.8191C>A on transcript NM_000059.4 (MANE Select); coding-DNA position 8191, C replaced by A.
Protein change: p.Gln2731Lys; replaces glutamine 2731 with lysine.
Molecular consequence: missense variant.
Genome position (GRCh38, 1-based): chr13:32,363,393, C>A. VCF-style: chr13-32363393-C-A. GRCh37 (hg19) VCF-style: chr13-32937530-C-A.
Other names: c.8095C>A, p.Gln2699Lys (NM_001406719.1); c.8191C>A, p.Gln2731Lys (NM_001406720.1); c.3259C>A, p.Gln1087Lys (NM_001406721.1); c.1774C>A, p.Gln592Lys (NM_001406722.1); short protein forms Q2731K, Q1087K, Q2699K, Q592K.
Identifiers: ClinVar variation 1762354 (VCV001762354.2), dbSNP rs397507966, ClinGen allele CA387749685.

ClinVar aggregate classification (germline): Uncertain significance (1 of 4 stars; one submission).

Conditions:
Hereditary cancer-predisposing syndrome. Also called: Neoplastic Syndromes, Hereditary; Tumor predisposition; Hereditary Cancer Syndrome; Hereditary neoplastic syndrome. Identifiers: Orphanet 140162, MedGen C0027672, MeSH D009386, MONDO:0015356.

Submission:

Ambry Genetics
Classification: Uncertain significance for Hereditary cancer-predisposing syndrome. Last evaluated: 2019-07-24. Review status: criteria provided, single submitter. Criteria: Ambry Variant Classification Scheme 2023. Collection method: clinical testing. Allele origin: germline.
Comment: The p.Q2731K variant (also known as c.8191C>A), located in coding exon 17 of the BRCA2 gene, results from a C to A substitution at nucleotide position 8191. The glutamine at codon 2731 is replaced by lysine, an amino acid with similar properties. This amino acid position is not well conserved in available vertebrate species. In addition, the in silico prediction for this alteration is inconclusive. Since supporting evidence is limited at this time, the clinical significance of this alteration remains unclear.